The following is an entry in ClinVar:

Conditions:
Long QT syndrome 5 (LQT5). Identifiers: Orphanet 101016, Orphanet 768, MedGen C1867904, MONDO:0013372, OMIM 613695.

Submission:

Roden Lab, Vanderbilt University Medical Center
No classification provided (evidence only). Condition: Long QT syndrome 5. Review status: no classification provided. Collection method: in vitro. Allele origin: not applicable. Functional consequence: Effect on ion channel function.
ClinVar note: "not provided" was previously submitted as the classification for the variant. However, the classification appeared to be based only on an observation of functional data so it was converted to no classification on 2025-07-30.

NM_000219.6(KCNE1):c.365T>A (p.Leu122His)

Gene: KCNE1 (potassium voltage-gated channel subfamily E regulatory subunit 1; minus strand). Cytogenetic location: 21q22.12.
Variant type: single nucleotide variant.
Coding change: c.365T>A on transcript NM_000219.6 (MANE Select); coding-DNA position 365, T replaced by A.
Protein change: p.Leu122His; replaces leucine 122 with histidine.
Molecular consequence: missense variant.
Genome position (GRCh38, 1-based): chr21:34,449,270, A>T on the plus strand (T>A on the coding strand, the complement: KCNE1 is on the minus strand). VCF-style: chr21-34449270-A-T. GRCh37 (hg19) VCF-style: chr21-35821568-A-T.
Other names: c.365T>A, p.Leu122His (NM_001127668.4, NM_001127669.4, NM_001127670.4 and 4 more transcripts); short protein forms L122H.
Identifiers: ClinVar variation 3373826 (VCV003373826.2).